The following is an entry in ClinVar:

NM_001042432.2(CLN3):c.375C>T (p.Ser125=)

Gene: CLN3 (CLN3 lysosomal/endosomal transmembrane protein, battenin; minus strand). Cytogenetic location: 16p12.1.
Variant type: single nucleotide variant.
Coding change: c.375C>T on transcript NM_001042432.2 (MANE Select); coding-DNA position 375, C replaced by T.
Protein change: p.Ser125=; no amino-acid change (serine 125 retained).
Molecular consequence: synonymous variant.
Genome position (GRCh38, 1-based): chr16:28,487,541, G>A on the plus strand (C>T on the coding strand, the complement: CLN3 is on the minus strand). VCF-style: chr16-28487541-G-A. GRCh37 (hg19) VCF-style: chr16-28498862-G-A.
Other names: c.375C>T, p.Ser125= (NM_000086.2); c.303C>T, p.Ser101= (NM_001286104.2); c.75C>T, p.Leu25= (NM_001286105.2); c.141C>T, p.Ser47= (NM_001286109.2); c.213C>T, p.Ser71= (NM_001286110.2).
Identifiers: ClinVar variation 3713915 (VCV003713915.2).
Genomic context (GRCh38, chr16:28,487,541, plus strand): 5'-AGAAAAGGCAACCAGGACGAAGCTTCCAGCAGCACAAATCCCACTGACGAGAACCCGGGG[G>A]CTGAGGGGGTGAGAAGGGAAGGGAGGGGGAAGGTCGGTCTCTACTCTCAGCATCTCAGCC-3'
Protein context (NP_001035897.1, residues 115-135): APLGLHLLPY[Ser125=]PRVLVSGICA

ClinVar aggregate classification (germline): Uncertain significance (1 of 4 stars; one submission).

Conditions:
Neuronal ceroid lipofuscinosis. Also called: Neuronal Ceroid Lipofuscinoses. Identifiers: Orphanet 216, Orphanet 79263, MedGen C0027877, MONDO:0016295. Disease mechanism: loss of function.

gnomAD v4.1: 9 of 1,613,802 alleles (0.00056%); highest among the groups gnomAD compares: East Asian, 0.013%; no homozygotes.

Submission:

Labcorp Genetics (formerly Invitae), Labcorp
Classification: Uncertain significance for Neuronal ceroid lipofuscinosis. Last evaluated: 2024-07-31. Review status: criteria provided, single submitter. Criteria: Invitae Variant Classification Sherloc (09022015). Collection method: clinical testing. Allele origin: germline.
Comment: This sequence change affects codon 125 of the CLN3 mRNA. It is a 'silent' change, meaning that it does not change the encoded amino acid sequence of the CLN3 protein. It affects a nucleotide within the consensus splice site. This variant is present in population databases (rs146076617, gnomAD 0.0009%). This variant has not been reported in the literature in individuals affected with CLN3-related conditions. Algorithms developed to predict the effect of sequence changes on RNA splicing suggest that this variant is not likely to affect RNA splicing. In summary, the available evidence is currently insufficient to determine the role of this variant in disease. Therefore, it has been classified as a Variant of Uncertain Significance.